The following is an entry in ClinVar:

NM_015978.3(TNNI3K):c.1105G>C (p.Val369Leu)

Genes: FPGT-TNNI3K (FPGT-TNNI3K readthrough; plus strand), TNNI3K (TNNI3 interacting kinase; plus strand). Cytogenetic location: 1p31.1.
Variant type: single nucleotide variant.
Coding change: c.1105G>C on transcript NM_015978.3 (MANE Select); coding-DNA position 1105, G replaced by C.
Protein change: p.Val369Leu; replaces valine 369 with leucine.
Molecular consequence: missense variant.
Genome position (GRCh38, 1-based): chr1:74,354,057, G>C. VCF-style: chr1-74354057-G-C. GRCh37 (hg19) VCF-style: chr1-74819741-G-C.
Other names: c.1408G>C, p.Val470Leu (NM_001112808.3, NM_001199327.2); short protein forms V369L, V470L.
Identifiers: ClinVar variation 3696632 (VCV003696632.2).

ClinVar aggregate classification (germline): Uncertain significance (1 of 4 stars; one submission).

Submission:

Labcorp Genetics (formerly Invitae), Labcorp
Classification: Uncertain significance. Last evaluated: 2025-04-20. Review status: criteria provided, single submitter. Criteria: Invitae Variant Classification Sherloc (09022015). Collection method: clinical testing. Allele origin: germline.
Comment: This sequence change replaces valine, which is neutral and non-polar, with leucine, which is neutral and non-polar, at codon 369 of the TNNI3K protein (p.Val369Leu). This variant is not present in population databases (gnomAD no frequency). This variant has not been reported in the literature in individuals affected with TNNI3K-related conditions. ClinVar contains an entry for this variant (Variation ID: 3696632). Invitae Evidence Modeling of protein sequence and biophysical properties (such as structural, functional, and spatial information, amino acid conservation, physicochemical variation, residue mobility, and thermodynamic stability) indicates that this missense variant is not expected to disrupt TNNI3K protein function with a negative predictive value of 80%. In summary, the available evidence is currently insufficient to determine the role of this variant in disease. Therefore, it has been classified as a Variant of Uncertain Significance.